The following is an entry in ClinVar:

ClinVar aggregate classification (germline): Likely benign (1 of 4 stars; one submission).

Allele frequency attached by ClinVar (database versions not stated): 1000 Genomes Project 0.00619; TOPMed 0.00796; gnomAD 0.00826 and 0.00824; 1000 Genomes Project 30x 0.00671.
gnomAD v4.1: 1,254 of 152,344 alleles (0.82%); highest among the groups gnomAD compares: Non-Finnish European, 1.4%; 5 homozygotes.

Submission:

GeneDx
Classification: Likely benign. Last evaluated: 2018-06-14. Review status: criteria provided, single submitter. Criteria: GeneDx Variant Classification (06012015). Collection method: clinical testing. Allele origin: germline. Affected: yes.
Comment: This variant is considered likely benign or benign based on one or more of the following criteria: it is a conservative change, it occurs at a poorly conserved position in the protein, it is predicted to be benign by multiple in silico algorithms, and/or has population frequency not consistent with disease.

NM_021625.5(TRPV4):c.1153-198A>G

Gene: TRPV4 (transient receptor potential cation channel subfamily V member 4; minus strand). Cytogenetic location: 12q24.11.
Variant type: single nucleotide variant.
Coding change: c.1153-198A>G on transcript NM_021625.5 (MANE Select); 198 bases into the intron before coding-DNA position 1153, A replaced by G.
Molecular consequence: intron variant.
Genome position (GRCh38, 1-based): chr12:109,796,902, T>C on the plus strand (A>G on the coding strand, the complement: TRPV4 is on the minus strand). VCF-style: chr12-109796902-T-C. GRCh37 (hg19) VCF-style: chr12-110234707-T-C.
Other names: c.1012-198A>G (NM_001177428.1); c.1152+1712A>G (NM_147204.2); c.1051-198A>G (NM_001177431.1); c.1011+1712A>G (NM_001177433.1).
Identifiers: ClinVar variation 672972 (VCV000672972.1), dbSNP rs192060971, ClinGen allele CA243466059.
Genomic context (GRCh38, chr12:109,796,902, plus strand): 5'-TCTTGCTCTTATTATCTTGGTTTACAGATAAAGAATGGAGGCTGGGAAAAACGAAGGGTG[T>C]TCCAGAAGCCACTTAACCAGTCAGCTGGAGCCAGACAGAACCTGGATGAGCCTTCAACAT-3'